The following is an entry in ClinVar:

ClinVar aggregate classification (germline): Uncertain significance (1 of 4 stars; one submission).

Conditions:
PHGDH deficiency. Identifiers: Orphanet 79351, MedGen C1866174, MONDO:0011152, OMIM 601815.

Allele frequency attached by ClinVar (database versions not stated): gnomAD exomes below 0.00001; TOPMed 0.00002; gnomAD 0.00003; ESP Exome Variant Server 0.00008.
gnomAD v4.1: 6 of 1,614,010 alleles (0.00037%); highest among the groups gnomAD compares: African/African-American, 0.008%; no homozygotes.

Submission:

Labcorp Genetics (formerly Invitae), Labcorp
Classification: Uncertain significance for PHGDH deficiency. Last evaluated: 2022-04-07. Review status: criteria provided, single submitter. Criteria: Invitae Variant Classification Sherloc (09022015). Collection method: clinical testing. Allele origin: germline.
Comment: This sequence change replaces cysteine, which is neutral and slightly polar, with tyrosine, which is neutral and polar, at codon 48 of the PHGDH protein (p.Cys48Tyr). This variant is present in population databases (rs370979212, gnomAD 0.007%). This variant has not been reported in the literature in individuals affected with PHGDH-related conditions. Algorithms developed to predict the effect of missense changes on protein structure and function (SIFT, PolyPhen-2, Align-GVGD) all suggest that this variant is likely to be tolerated. In summary, the available evidence is currently insufficient to determine the role of this variant in disease. Therefore, it has been classified as a Variant of Uncertain Significance.

NM_006623.4(PHGDH):c.143G>A (p.Cys48Tyr)

Gene: PHGDH (phosphoglycerate dehydrogenase; plus strand). Cytogenetic location: 1p12.
Variant type: single nucleotide variant.
Coding change: c.143G>A on transcript NM_006623.4 (MANE Select); coding-DNA position 143, G replaced by A.
Protein change: p.Cys48Tyr; replaces cysteine 48 with tyrosine.
Molecular consequence: missense variant.
Genome position (GRCh38, 1-based): chr1:119,721,174, G>A. VCF-style: chr1-119721174-G-A. GRCh37 (hg19) VCF-style: chr1-120263797-G-A.
Other names: short protein forms C48Y.
Identifiers: ClinVar variation 2171715 (VCV002171715.1), dbSNP rs370979212, ClinGen allele CA30246742.
Genomic context (GRCh38, chr1:119,721,174, plus strand): 5'-GCTTTACGAGTTCTCACAGAATGACTTTCTGGACCCAAATGTTTTTTCTGCTTCAGGACT[G>A]TGAAGGCCTTATTGTTCGCTCTGCCACCAAGGTGACCGCTGATGTCATCAACGCAGCTGA-3'
Protein context (NP_006614.2, residues 38-58): KEELIAELQD[Cys48Tyr]EGLIVRSATK